The following is an entry in ClinVar:

ClinVar aggregate classification (germline): Likely benign. Review status: criteria provided, multiple submitters, no conflicts (2 of 4 stars). 2 submissions from 2 submitters: Likely benign (2). Last evaluated 2021-07-30.

Conditions:
Hecht syndrome (DA7). Also called: MOUTH, INABILITY TO OPEN COMPLETELY, AND SHORT FINGER-FLEXOR TENDONS; Dutch-Kentucky syndrome. Identifiers: Orphanet 3377, MedGen C0265226, MONDO:0008016, OMIM 158300. Disease mechanism: gain of function.
Carney complex - trismus - pseudocamptodactyly syndrome. Identifiers: Orphanet 319340, MedGen C1837245, MONDO:0012137, OMIM 608837.

Allele frequency attached by ClinVar (database versions not stated): gnomAD exomes 0.00013 and 0.00057; gnomAD 0.00016 and 0.00021; TOPMed 0.00038; ExAC 0.00049; 1000 Genomes Project 0.00180; 1000 Genomes Project 30x 0.00187.
gnomAD v4.1: 240 of 1,614,158 alleles (0.015%); highest among the groups gnomAD compares: East Asian, 0.4%; 3 homozygotes.

Submissions (2):

Department of Pathology and Laboratory Medicine, Sinai Health System
Classification: Likely benign for Hecht syndrome; Carney complex - trismus - pseudocamptodactyly syndrome. Last evaluated: 2021-07-30. Review status: criteria provided, single submitter. Criteria: ACMG Guidelines, 2015. Collection method: research. Allele origin: germline.

Illumina Laboratory Services, Illumina
Classification: Likely benign for Hecht syndrome. Last evaluated: 2018-01-13. Review status: criteria provided, single submitter. Criteria: ICSL Variant Classification Criteria 13 December 2019. Collection method: clinical testing. Allele origin: germline.
Comment: This variant was observed in the ICSL laboratory as part of a predisposition screen in an ostensibly healthy population. It had not been previously curated by ICSL or reported in the Human Gene Mutation Database (HGMD: prior to June 1st, 2018), and was therefore a candidate for classification through an automated scoring system. Utilizing variant allele frequency, disease prevalence and penetrance estimates, and inheritance mode, an automated score was calculated to assess if this variant is too frequent to cause the disease. Based on the score and internal cut-off values, a variant classified as likely benign is not then subjected to further curation. The score for this variant resulted in a classification of likely benign for this disease.

NM_002472.3(MYH8):c.5435A>G (p.Lys1812Arg)

Genes: MYHAS (myosin heavy chain gene cluster antisense RNA; plus strand), MYH8 (myosin heavy chain 8; minus strand), LOC126862493 (BRD4-independent group 4 enhancer GRCh37_chr17:10295275-10296474; plus strand). Cytogenetic location: 17p13.1.
Variant type: single nucleotide variant.
Coding change: c.5435A>G on transcript NM_002472.3 (MANE Select); coding-DNA position 5435, A replaced by G.
Protein change: p.Lys1812Arg; replaces lysine 1812 with arginine.
Molecular consequence: missense variant.
Genome position (GRCh38, 1-based): chr17:10,392,859, T>C on the plus strand (A>G on the coding strand, the complement: MYH8 is on the minus strand). VCF-style: chr17-10392859-T-C. GRCh37 (hg19) VCF-style: chr17-10296176-T-C.
Other names: short protein forms K1812R.
Identifiers: ClinVar variation 321623 (VCV000321623.6), dbSNP rs201598997, ClinGen allele CA8387044.